The following is an entry in ClinVar:

NM_001371623.1(TCOF1):c.2633AGG[2] (p.Glu880del)

Gene: TCOF1 (treacle ribosome biogenesis factor 1; plus strand). Cytogenetic location: 5q32.
Variant type: Microsatellite.
Coding change: c.2633AGG[2] on transcript NM_001371623.1 (MANE Select); two copies in a row of the 3-base unit AGG starting at c.2633; the reference has three copies in a row; one copy, 3 bases deleted.
Protein change: p.Glu880del; deletes glutamic acid 880.
Molecular consequence: inframe deletion.
Genome position (GRCh38, 1-based): chr5:150,379,389-150,379,391, AGG deleted; deleting any 3 consecutive bases within chr5:150,379,382-150,379,391 gives the same sequence; the position shown is the placement nearest the transcript's 3' end. VCF-style (leftmost placement, unchanged base first): chr5-150379381-TGAG-T. GRCh37 (hg19) VCF-style: chr5-149758944-TGAG-T.
Other names: c.2639_2641delAGG (NM_001135243.1); c.2402AGG[2], p.Glu803del (NM_000356.4, NM_001135245.2); c.2633AGG[2], p.Glu880del (NM_001008657.3, NM_001135243.2, NM_001135244.2 and 1 more transcripts); short protein forms E803del, E880del.
Identifiers: ClinVar variation 770089 (VCV000770089.12), dbSNP rs749229511, ClinGen allele CA3511210.

ClinVar aggregate classification (germline): Conflicting classifications of pathogenicity. Review status: criteria provided, conflicting classifications (1 of 4 stars). 4 submissions from 4 submitters: Uncertain significance (1); Likely benign (2). 1 of the submissions does not count toward it. Last evaluated 2026-05-15.

Conditions:
Treacher Collins syndrome 1 (TCS1). Also called: TCOF1-Related Treacher Collins Syndrome. Identifiers: Orphanet 861, MedGen CN315775, MONDO:0007944, OMIM 154500.
TCOF1-related disorder. Also called: TCOF1-related condition.

Submissions (4):

GeneDx
Classification: Uncertain significance. Last evaluated: 2026-05-15. Review status: criteria provided, single submitter. Criteria: GeneDx Variant Classification Process June 2021. Collection method: clinical testing. Allele origin: germline.
Comment: Has not been previously published as pathogenic or benign to our knowledge; In-frame deletion of 1 amino acid in a non-repeat region; In silico analysis supports a deleterious effect on protein structure/function

Labcorp Genetics (formerly Invitae), Labcorp
Classification: Likely benign for Treacher Collins syndrome 1. Last evaluated: 2025-08-31. Review status: criteria provided, single submitter. Criteria: Invitae Variant Classification Sherloc (09022015). Collection method: clinical testing. Allele origin: germline.

Blueprint Genetics
Classification: Likely benign. Last evaluated: 2021-11-26. Review status: criteria provided, single submitter. Criteria: ACMG Guidelines, 2015. Collection method: clinical testing. Allele origin: germline.

PreventionGenetics, part of Exact Sciences
Classification: Uncertain significance for TCOF1-related condition. Last evaluated: 2024-06-06. Review status: no assertion criteria provided. Collection method: clinical testing. Allele origin: germline. Not counted in ClinVar's aggregate classification.
Comment: The TCOF1 c.2639_2641delAGG variant is predicted to result in an in-frame deletion (p.Glu880del). To our knowledge, this variant has not been reported in the literature. This variant is reported in 0.026% of alleles in individuals of Latino descent in gnomAD. Although we suspect that this variant may be benign, at this time, the clinical significance of this variant is uncertain due to the absence of conclusive functional and genetic evidence.